The following is an entry in ClinVar:

ClinVar aggregate classification (germline): Uncertain significance (1 of 4 stars; one submission).

Submission:

GeneDx
Classification: Uncertain significance. Last evaluated: 2025-06-23. Review status: criteria provided, single submitter. Criteria: GeneDx Variant Classification Process June 2021. Collection method: clinical testing. Allele origin: germline. Affected: yes.
Comment: Not observed at significant frequency in large population cohorts (gnomAD); In silico analysis supports that this missense variant has a deleterious effect on protein structure/function; Has not been previously published as pathogenic or benign to our knowledge

NM_001367721.1(CASK):c.2402C>G (p.Ser801Cys)

Gene: CASK (calcium/calmodulin dependent serine protein kinase; minus strand). Cytogenetic location: Xp11.4.
Variant type: single nucleotide variant.
Coding change: c.2402C>G on transcript NM_001367721.1 (MANE Select); coding-DNA position 2402, C replaced by G.
Protein change: p.Ser801Cys; replaces serine 801 with cysteine.
Molecular consequence: missense variant.
Genome position (GRCh38, 1-based): chrX:41,531,125, G>C on the plus strand (C>G on the coding strand, the complement: CASK is on the minus strand). VCF-style: chrX-41531125-G-C. GRCh37 (hg19) VCF-style: chrX-41390378-G-C.
Other names: c.2318C>G, p.Ser773Cys (NM_001126054.3); c.2315C>G, p.Ser772Cys (NM_001126055.3); c.2384C>G, p.Ser795Cys (NM_001410745.1); c.2387C>G, p.Ser796Cys (NM_003688.4); short protein forms S772C, S773C, S795C, S796C, S801C.
Identifiers: ClinVar variation 4540294 (VCV004540294.1).